The following is an entry in ClinVar:

ClinVar aggregate classification (germline): Uncertain significance (1 of 4 stars; one submission).

Submission:

CeGaT Center for Human Genetics Tuebingen
Classification: Uncertain significance. Last evaluated: 2025-10-01. Review status: criteria provided, single submitter. Criteria: CeGaT Center For Human Genetics Tuebingen Variant Classification Criteria Version 2. Collection method: clinical testing. Allele origin: germline. Affected: yes. Observed: 1 variant allele.
Comment: WDR5: PM2, PP2

NM_017588.3(WDR5):c.712C>A (p.Leu238Met)

Gene: WDR5 (WD repeat domain 5; plus strand). Cytogenetic location: 9q34.2.
Variant type: single nucleotide variant.
Coding change: c.712C>A on transcript NM_017588.3 (MANE Select); coding-DNA position 712, C replaced by A.
Protein change: p.Leu238Met; replaces leucine 238 with methionine.
Molecular consequence: missense variant.
Genome position (GRCh38, 1-based): chr9:134,155,344, C>A. VCF-style: chr9-134155344-C-A. GRCh37 (hg19) VCF-style: chr9-137020466-C-A.
Other names: c.583C>A, p.Leu195Met (NM_001384419.1, NM_001384418.1); c.712C>A, p.Leu238Met (NM_052821.4, NM_001384409.1, NM_001384410.1 and 5 more transcripts); c.709C>A, p.Leu237Met (NM_001384416.1); c.703C>A, p.Leu235Met (NM_001384417.1); short protein forms L195M, L235M, L237M, L238M.
Identifiers: ClinVar variation 4534935 (VCV004534935.6).